The following is an entry in ClinVar:

ClinVar aggregate classification (germline): Uncertain significance (1 of 4 stars; one submission).

Allele frequency attached by ClinVar (database versions not stated): ExAC 0.00003; gnomAD 0.00004; TOPMed 0.00004; ESP Exome Variant Server 0.00008.
gnomAD v4.1: 35 of 1,613,860 alleles (0.0022%); highest among the groups gnomAD compares: African/African-American, 0.0093%; no homozygotes.

Submission:

Labcorp Genetics (formerly Invitae), Labcorp
Classification: Uncertain significance. Last evaluated: 2022-08-23. Review status: criteria provided, single submitter. Criteria: Invitae Variant Classification Sherloc (09022015). Collection method: clinical testing. Allele origin: germline.
Comment: In summary, the available evidence is currently insufficient to determine the role of this variant in disease. Therefore, it has been classified as a Variant of Uncertain Significance. Algorithms developed to predict the effect of missense changes on protein structure and function (SIFT, PolyPhen-2, Align-GVGD) all suggest that this variant is likely to be tolerated. This variant has not been reported in the literature in individuals affected with SORL1-related conditions. This variant is present in population databases (rs376955109, gnomAD 0.01%). This sequence change replaces arginine, which is basic and polar, with histidine, which is basic and polar, at codon 1490 of the SORL1 protein (p.Arg1490His).

NM_003105.6(SORL1):c.4469G>A (p.Arg1490His)

Genes: SORL1 (sortilin related receptor 1; plus strand), LOC126861368 (P300/CBP strongly-dependent group 1 enhancer GRCh37_chr11:121465964-121467163; plus strand). Cytogenetic location: 11q24.1.
Variant type: single nucleotide variant.
Coding change: c.4469G>A on transcript NM_003105.6 (MANE Select); coding-DNA position 4469, G replaced by A.
Protein change: p.Arg1490His; replaces arginine 1490 with histidine.
Molecular consequence: missense variant.
Genome position (GRCh38, 1-based): chr11:121,595,722, G>A. VCF-style: chr11-121595722-G-A. GRCh37 (hg19) VCF-style: chr11-121466431-G-A.
Other names: short protein forms R1490H.
Identifiers: ClinVar variation 2189948 (VCV002189948.4), dbSNP rs376955109, ClinGen allele CA6329635.